The following is an entry in ClinVar:

ClinVar aggregate classification (germline): Likely benign (0 of 4 stars; one submission).

Conditions:
MS4A2-related disorder. Also called: MS4A2-related condition.

Allele frequency attached by ClinVar (database versions not stated): gnomAD exomes 0.00001.

Submission:

PreventionGenetics, part of Exact Sciences
Classification: Likely benign for MS4A2-related condition. Last evaluated: 2019-05-23. Review status: no assertion criteria provided. Collection method: clinical testing. Allele origin: germline.
Comment: This variant is classified as likely benign based on ACMG/AMP sequence variant interpretation guidelines (Richards et al. 2015 PMID: 25741868, with internal and published modifications).

NM_000139.5(MS4A2):c.-9A>G

Gene: MS4A2 (membrane spanning 4-domains A2; plus strand). Cytogenetic location: 11q12.1.
Variant type: single nucleotide variant.
Coding change: c.-9A>G on transcript NM_000139.5 (MANE Select); 9 bases upstream of the start codon, A replaced by G.
Molecular consequence: 5 prime UTR variant.
Genome position (GRCh38, 1-based): chr11:60,088,757, A>G. VCF-style: chr11-60088757-A-G. GRCh37 (hg19) VCF-style: chr11-59856230-A-G.
Other names: c.-9A>G (NM_001256916.2).
Identifiers: ClinVar variation 3038446 (VCV003038446.2), dbSNP rs2495193723, ClinGen allele CA2517073209.